The following is an entry in ClinVar:

ClinVar aggregate classification (germline): Uncertain significance (1 of 4 stars; one submission).

Conditions:
Ataxia-telangiectasia syndrome (AT). Also called: ATAXIA-TELANGIECTASIA, COMPLEMENTATION GROUP A; ATAXIA-TELANGIECTASIA, FRESNO VARIANT; LOUIS-BAR SYNDROME; Cerebello-oculocutaneous telangiectasia; Immunodeficiency with ataxia telangiectasia; Ataxia-telangiectasia, complementation group E. Identifiers: Orphanet 100, MedGen C0004135, MONDO:0008840, OMIM 208900.

gnomAD v4.1: 1 of 1,613,726 alleles (0.000062%); no homozygotes.

Submission:

Labcorp Genetics (formerly Invitae), Labcorp
Classification: Uncertain significance for Ataxia-telangiectasia syndrome. Last evaluated: 2024-12-16. Review status: criteria provided, single submitter. Criteria: Invitae Variant Classification Sherloc (09022015). Collection method: clinical testing. Allele origin: germline.
Comment: This sequence change replaces alanine, which is neutral and non-polar, with proline, which is neutral and non-polar, at codon 84 of the ATM protein (p.Ala84Pro). This variant is not present in population databases (gnomAD no frequency). This variant has not been reported in the literature in individuals affected with ATM-related conditions. Invitae Evidence Modeling of protein sequence and biophysical properties (such as structural, functional, and spatial information, amino acid conservation, physicochemical variation, residue mobility, and thermodynamic stability) indicates that this missense variant is not expected to disrupt ATM protein function with a negative predictive value of 95%. In summary, the available evidence is currently insufficient to determine the role of this variant in disease. Therefore, it has been classified as a Variant of Uncertain Significance.

NM_000051.4(ATM):c.250G>C (p.Ala84Pro)

Gene: ATM (ATM serine/threonine kinase; plus strand). Cytogenetic location: 11q22.3.
Variant type: single nucleotide variant.
Coding change: c.250G>C on transcript NM_000051.4 (MANE Select); coding-DNA position 250, G replaced by C.
Protein change: p.Ala84Pro; replaces alanine 84 with proline.
Molecular consequence: missense variant.
Genome position (GRCh38, 1-based): chr11:108,229,242, G>C. VCF-style: chr11-108229242-G-C. GRCh37 (hg19) VCF-style: chr11-108099969-G-C.
Other names: c.250G>C, p.Ala84Pro (NM_001351834.2, NM_001351835.2, NM_001351836.2); short protein forms A84P.
Identifiers: ClinVar variation 3634289 (VCV003634289.2).